The following is an entry in ClinVar:

ClinVar aggregate classification (germline): Benign/Likely benign. Review status: criteria provided, multiple submitters, no conflicts (2 of 4 stars). 5 submissions from 5 submitters: Benign (2); Likely benign (1). 2 of the submissions do not count toward it. Last evaluated 2025-12-30.

Conditions:
EZH2-related disorder.
Weaver syndrome (WVS). Also called: Weaver Smith syndrome; Overgrowth syndrome with accelerated skeletal maturation, unusual facies, and camptodactyly. Identifiers: Orphanet 3447, MedGen C0265210, MONDO:0010193, OMIM 277590.

Allele frequency attached by ClinVar (database versions not stated): gnomAD 0.00121; ESP Exome Variant Server 0.00123; TOPMed 0.00152; 1000 Genomes Project 0.00260; 1000 Genomes Project 30x 0.00265.
gnomAD v4.1: 395 of 1,614,114 alleles (0.024%); highest among the groups gnomAD compares: African/African-American, 0.49%; 2 homozygotes.

Submissions (5):

Labcorp Genetics (formerly Invitae), Labcorp
Classification: Benign for Weaver syndrome. Last evaluated: 2025-12-30. Review status: criteria provided, single submitter. Criteria: Invitae Variant Classification Sherloc (09022015). Collection method: clinical testing. Allele origin: germline.

Blueprint Genetics
Classification: Likely benign. Last evaluated: 2023-11-13. Review status: criteria provided, single submitter. Criteria: ACMG Guidelines, 2015. Collection method: clinical testing. Allele origin: germline.

GeneDx
Classification: Benign. Last evaluated: 2016-02-12. Review status: criteria provided, single submitter. Criteria: GeneDx Variant Classification (06012015). Collection method: clinical testing. Allele origin: germline. Affected: yes.
Comment: This variant is considered likely benign or benign based on one or more of the following criteria: it is a conservative change, it occurs at a poorly conserved position in the protein, it is predicted to be benign by multiple in silico algorithms, and/or has population frequency not consistent with disease.

PreventionGenetics, part of Exact Sciences
Classification: Benign for EZH2-related condition. Last evaluated: 2019-08-13. Review status: no assertion criteria provided. Collection method: clinical testing. Allele origin: germline. Not counted in ClinVar's aggregate classification.
Comment: This variant is classified as benign based on ACMG/AMP sequence variant interpretation guidelines (Richards et al. 2015 PMID: 25741868, with internal and published modifications).

ITMI
No classification provided. Condition: AllHighlyPenetrant. Last evaluated: 2013-09-19. Review status: no classification provided. Collection method: reference population. Allele origin: germline. Not counted in ClinVar's aggregate classification.
Comment: Please see associated publication for description of ethnicities

Literature cited by the submitters: PubMed 24728327 (cited by ITMI).

NM_004456.5(EZH2):c.1240+9C>A

Gene: EZH2 (enhancer of zeste 2 polycomb repressive complex 2 subunit; minus strand). Cytogenetic location: 7q36.1.
Variant type: single nucleotide variant.
Coding change: c.1240+9C>A on transcript NM_004456.5 (MANE Select); 9 bases into the intron after coding-DNA position 1240, C replaced by A.
Molecular consequence: intron variant.
Genome position (GRCh38, 1-based): chr7:148,817,868, G>T on the plus strand (C>A on the coding strand, the complement: EZH2 is on the minus strand). VCF-style: chr7-148817868-G-T. GRCh37 (hg19) VCF-style: chr7-148514960-G-T.
Other names: c.1198+9C>A (NM_001203248.2, NM_001203249.2); c.1108+9C>A (NM_152998.3); c.1225+9C>A (NM_001203247.2).
Identifiers: ClinVar variation 135538 (VCV000135538.14), dbSNP rs114320893, ClinGen allele CA162995.
Genomic context (GRCh38, chr7:148,817,868, plus strand): 5'-ATACATCCTTAATCCTCACAACACGAACTTTCACAGAACAGTAAAACCCAGTTATTAGAC[G>T]TGTCTTACCAGAGGAGCTCGAAGTTTCATCTTTCTTCTCTTCTTCTTCTTTATCATTGTT-3'